The following is an entry in ClinVar:

NM_007294.4(BRCA1):c.1874_1877dup (p.Val627fs)

Gene: BRCA1 (BRCA1 DNA repair associated; minus strand). Cytogenetic location: 17q21.31.
Variant type: Duplication.
Coding change: c.1874_1877dup on transcript NM_007294.4 (MANE Select); coding-DNA positions 1874 to 1877, 4 bases duplicated (TAGT; older notation c.1874_1877dupTAGT).
Protein change: p.Val627fs; shifts the reading frame from valine 627.
Molecular consequence: frameshift variant. On other transcripts: intron variant (137).
Genome position (GRCh38, 1-based): chr17:43,093,654-43,093,657, ACTA duplicated on the plus strand (TAGT on the coding strand, the reverse complement: BRCA1 is on the minus strand). VCF-style (leftmost placement, unchanged base first): chr17-43093653-T-TACTA. GRCh37 (hg19) VCF-style: chr17-41245670-T-TACTA.
Other names: 1996ins4; c.1874_1877dupTAGT (NM_007294.3); c.1733_1736dup, p.Val580fs (NM_001407945.1, NM_007297.4, NM_001407692.1 and 29 more transcripts); c.1541_1544dup, p.Val516fs (NM_001407946.1, NM_001407947.1, NM_001407948.1 and 6 more transcripts); c.1538_1541dup, p.Val515fs (NM_001407954.1, NM_001407955.1, NM_001407956.1 and 1 more transcripts); c.1493_1496dup, p.Val500fs (NM_001407959.1, NM_001407960.1, NM_001407963.1); c.1490_1493dup, p.Val499fs (NM_001407962.1); c.1730_1733dup, p.Val579fs (NM_001407964.1, NM_001407740.1, NM_001407741.1 and 20 more transcripts); and 42 more; short protein forms V627fs, V580fs, V624fs, V499fs, V538fs, V559fs, V579fs, V600fs.
Identifiers: ClinVar variation 54376 (VCV000054376.41), dbSNP rs80357516, ClinGen allele CA001219.

ClinVar aggregate classification (germline): Pathogenic. Review status: reviewed by expert panel (3 of 4 stars). 18 submissions from 18 submitters: Pathogenic (1). 17 of the submissions do not count toward it. Last evaluated 2016-09-08.

Conditions:
Hereditary cancer-predisposing syndrome. Also called: Tumor predisposition; Neoplastic Syndromes, Hereditary; Hereditary Cancer Syndrome; Hereditary neoplastic syndrome. Identifiers: Orphanet 140162, MedGen C0027672, MeSH D009386, MONDO:0015356.
Ovarian neoplasm. Also called: Ovarian tumor; Neoplasm of ovary; Ovarian Neoplasms. Identifiers: MedGen C0919267, MeSH D010051, MONDO:0021068, HP:0100615.
Hereditary breast ovarian cancer syndrome. Also called: Hereditary breast and ovarian cancer syndrome (HBOC); Hereditary breast and ovarian cancer syndrome; Hereditary breast and ovarian cancer; Hereditary breast and/or ovarian cancer syndrome; Breast and ovarian cancer; BRCA1- and BRCA2-Associated Hereditary Breast and Ovarian Cancer. Identifiers: Orphanet 145, MedGen C0677776, MeSH D061325, MONDO:0003582. Disease mechanism: loss of function.
Breast-ovarian cancer, familial, susceptibility to, 1 (BROVCA1). Also called: OVARIAN CANCER, SUSCEPTIBILITY TO; BRCA1 Hereditary Breast and Ovarian Cancer. Identifiers: Orphanet 145, MedGen C2676676, MONDO:0011450, OMIM 604370. Disease mechanism: loss of function.

Allele frequency attached by ClinVar (database versions not stated): gnomAD exomes below 0.00001.

Submissions 1 to 9 of 18:

Evidence-based Network for the Interpretation of Germline Mutant Alleles (ENIGMA)
Classification: Pathogenic for Breast-ovarian cancer, familial, susceptibility to, 1. Last evaluated: 2016-09-08. Review status: reviewed by expert panel. Criteria: ENIGMA BRCA1/2 Classification Criteria (2015). Collection method: curation. Allele origin: germline.
Comment: Variant allele predicted to encode a truncated non-functional protein.

Ambry Genetics
Classification: Pathogenic for Hereditary cancer-predisposing syndrome. Last evaluated: 2026-02-23. Review status: criteria provided, single submitter. Criteria: Ambry Variant Classification Scheme 2023. Collection method: clinical testing. Allele origin: germline. Not counted in ClinVar's aggregate classification.
Comment: The c.1874_1877dupTAGT (p.V627Sfs*4) alteration, located in exon 10 (coding exon 9) of the BRCA1 gene, consists of a duplication of TAGT at position 1874, causing a translational frameshift with a predicted alternate stop codon after 4 amino acids. This variant is expected to result in loss of function by premature protein truncation or nonsense-mediated mRNA decay. This variant was not reported in population-based cohorts in the Genome Aggregation Database (gnomAD). This variant has been previously identified in individuals with early-onset breast cancer (Balz, 2002; Bellacosa, 2010). This variant was also identified in a large, worldwide study of BRCA1/2 mutation positive families (Rebbeck, 2018). Of note, this variant has been denoted as 1996insTAGT and 1997insTAGT in the published literature. Based on the available evidence, this alteration is classified as pathogenic.

Labcorp Genetics (formerly Invitae), Labcorp
Classification: Pathogenic for Hereditary breast ovarian cancer syndrome. Last evaluated: 2025-11-18. Review status: criteria provided, single submitter. Criteria: Invitae Variant Classification Sherloc (09022015). Collection method: clinical testing. Allele origin: germline. Not counted in ClinVar's aggregate classification.
Comment: This sequence change creates a premature translational stop signal (p.Val627Serfs*4) in the BRCA1 gene. It is expected to result in an absent or disrupted protein product. Loss-of-function variants in BRCA1 are known to be pathogenic (PMID: 20104584). This variant is not present in population databases (gnomAD no frequency). This premature translational stop signal has been observed in individual(s) with breast cancer and an individual affected with breast and/or ovarian cancer (PMID: 12505256, 22970155). This variant is also known as 1996insTAGT. ClinVar contains an entry for this variant (Variation ID: 54376). For these reasons, this variant has been classified as Pathogenic.

Quest Diagnostics Nichols Institute San Juan Capistrano
Classification: Pathogenic. Last evaluated: 2025-08-29. Review status: criteria provided, single submitter. Criteria: Quest Diagnostics criteria. Collection method: clinical testing. Allele origin: unknown. Not counted in ClinVar's aggregate classification.
Comment: The BRCA1 c.1874_1877dup (p.Val627Serfs*4) variant alters the translational reading frame of the BRCA1 mRNA and causes the premature termination of BRCA1 protein synthesis. This variant (also known as 1996ins4, 1996insTAGT, 1877_1878insTAGT) has been reported in the published literature in numerous individuals and families with breast and/or ovarian cancer (PMIDs: 36367610 (2023), 29446198 (2018), 29053726 (2017), 28888541 (2017), 25452441 (2015), 22970155 (2012), 18465347 (2008), 12505256 (2002)). This variant has not been reported in large, multi-ethnic general populations (Genome Aggregation Database). Based on the available information, this variant is classified as pathogenic.

Color Diagnostics, LLC DBA Color Health
Classification: Pathogenic for Hereditary cancer-predisposing syndrome. Last evaluated: 2024-12-11. Review status: criteria provided, single submitter. Criteria: ACMG Guidelines, 2015. Collection method: clinical testing. Allele origin: germline. Not counted in ClinVar's aggregate classification.
Comment: This variant inserts 4 nucleotides in exon 10 of the BRCA1 gene, creating a frameshift and premature translation stop signal. This variant is also known as c.1877_1878insTAGT in the literature. This variant is expected to result in an absent or non-functional protein product. To our knowledge, functional studies have not been reported for this variant. This variant has been detected in at least four individuals affected with breast cancer (PMID: 12505256, 22970155, 25452441) and is detected in a breast cancer case-control meta-analysis in 2/60466 cases and absent in 53461 unaffected individuals (PMID: 33471991; Leiden Open Variation Database DB-ID BRCA1_001027). This variant has not been identified in the general population by the Genome Aggregation Database (gnomAD). Loss of BRCA1 function is a known mechanism of disease. Based on the available evidence, this variant is classified as Pathogenic.

Department of Human Genetics, Hannover Medical School
Classification: Pathogenic for Breast-ovarian cancer, familial, susceptibility to, 1. Last evaluated: 2024-10-17. Review status: criteria provided, single submitter. Criteria: ACMG Guidelines, 2015. Collection method: clinical testing. Allele origin: germline. Affected: yes. Not counted in ClinVar's aggregate classification.
Comment: ClinGen BRCA1 VCEP: PVS1, PM5_Strong

All of Us Research Program, National Institutes of Health
Classification: Pathogenic for Breast-ovarian cancer, familial, susceptibility to, 1. Last evaluated: 2024-01-08. Review status: criteria provided, single submitter. Criteria: ACMG Guidelines, 2015. Collection method: clinical testing. Allele origin: germline. Inheritance: Autosomal dominant inheritance. Observed: 2 variant alleles, 2 heterozygotes. Not counted in ClinVar's aggregate classification.
Comment: This variant inserts 4 nucleotides in exon 10 of the BRCA1 gene, creating a frameshift and premature translation stop signal. This variant is also known as c.1877_1878insTAGT in the literature. This variant is expected to result in an absent or non-functional protein product. To our knowledge, functional studies have not been reported for this variant. This variant has been detected in at least four individuals affected with breast cancer (PMID: 12505256, 22970155, 25452441) and is detected in a breast cancer case-control meta-analysis in 2/60464 cases and absent in 53461 unaffected individuals (PMID: 33471991; Leiden Open Variation Database DB-ID BRCA1_001027). This variant has not been identified in the general population by the Genome Aggregation Database (gnomAD). Loss of BRCA1 function is a known mechanism of disease. Based on the available evidence, this variant is classified as Pathogenic.

This study involves interpretation of variants in research participants for the purpose of population health screening. Participant phenotype was not available at the time of variant classification. Additional details can be found in publication PMID: 35346344, PMCID: PMC8962531

Baylor Genetics
Classification: Pathogenic for Breast-ovarian cancer, familial, susceptibility to, 1. Last evaluated: 2023-11-15. Review status: criteria provided, single submitter. Criteria: ACMG Guidelines, 2015. Collection method: clinical testing. Allele origin: unknown. Not counted in ClinVar's aggregate classification.

GeneDx
Classification: Pathogenic. Last evaluated: 2023-06-16. Review status: criteria provided, single submitter. Criteria: GeneDx Variant Classification Process June 2021. Collection method: clinical testing. Allele origin: germline. Affected: yes. Not counted in ClinVar's aggregate classification.
Comment: Frameshift variant predicted to result in protein truncation or nonsense mediated decay in a gene for which loss-of-function is a known mechanism of disease; Observed in several individuals with personal and/or family histories consistent with hereditary breast and/or ovarian cancer (Balz et al., 2002; Thomassen et al., 2008; Bellacosa et al., 2010; Kwong et al., 2012); Not observed at significant frequency in large population cohorts (gnomAD); Truncating variants in this gene are considered pathogenic by a well-established clinical consortium and/or database; Also known as 1877_1878insTAGT, 1878_1879insTAGT, 1997insTAGT, and 1996insTAGT; This variant is associated with the following publications: (PMID: 21702907, 16267036, 18465347, 28888541, 12505256, 20051372, 27157322, 22970155, 33087929, 29446198)